The following is an entry in ClinVar:

ClinVar aggregate classification (germline): Uncertain significance (1 of 4 stars; one submission).

Allele frequency attached by ClinVar (database versions not stated): TOPMed below 0.00001; ExAC 0.00001.
gnomAD v4.1: 8 of 1,614,208 alleles (0.0005%); highest among the groups gnomAD compares: Non-Finnish European, 0.000085%; no homozygotes.

Submission:

Labcorp Genetics (formerly Invitae), Labcorp
Classification: Uncertain significance. Last evaluated: 2022-08-11. Review status: criteria provided, single submitter. Criteria: Invitae Variant Classification Sherloc (09022015). Collection method: clinical testing. Allele origin: germline.
Comment: This sequence change replaces isoleucine, which is neutral and non-polar, with serine, which is neutral and polar, at codon 250 of the IMPDH2 protein (p.Ile250Ser). In summary, the available evidence is currently insufficient to determine the role of this variant in disease. Therefore, it has been classified as a Variant of Uncertain Significance. Algorithms developed to predict the effect of missense changes on protein structure and function (SIFT, PolyPhen-2, Align-GVGD) all suggest that this variant is likely to be disruptive. This variant has not been reported in the literature in individuals affected with IMPDH2-related conditions. This variant is present in population databases (rs767704477, gnomAD 0.03%).

NM_000884.3(IMPDH2):c.749T>G (p.Ile250Ser)

Gene: IMPDH2 (inosine monophosphate dehydrogenase 2; minus strand). Cytogenetic location: 3p21.31.
Variant type: single nucleotide variant.
Coding change: c.749T>G on transcript NM_000884.3 (MANE Select); coding-DNA position 749, T replaced by G.
Protein change: p.Ile250Ser; replaces isoleucine 250 with serine.
Molecular consequence: missense variant.
Genome position (GRCh38, 1-based): chr3:49,026,757, A>C on the plus strand (T>G on the coding strand, the complement: IMPDH2 is on the minus strand). VCF-style: chr3-49026757-A-C. GRCh37 (hg19) VCF-style: chr3-49064190-A-C.
Other names: c.749T>G, p.Ile250Ser (NM_001410759.1); c.674T>G, p.Ile225Ser (NM_001410760.1, NM_001410761.1); short protein forms I225S, I250S.
Identifiers: ClinVar variation 1964147 (VCV001964147.5), dbSNP rs767704477, ClinGen allele CA2390616.